The following is an entry in ClinVar:

ClinVar aggregate classification (germline): Uncertain significance (1 of 4 stars; one submission).

Conditions:
Hypertrophic cardiomyopathy. Also called: HYPERTROPHIC MYOCARDIOPATHY. Identifiers: Orphanet 217569, MedGen C0007194, MeSH D002312, MONDO:0005045, HP:0001639.

Allele frequency attached by ClinVar (database versions not stated): gnomAD 0.00001; TOPMed 0.00001.
gnomAD v4.1: 4 of 1,604,698 alleles (0.00025%); highest among the groups gnomAD compares: Non-Finnish European, 0.00034%; no homozygotes.

Submission:

Labcorp Genetics (formerly Invitae), Labcorp
Classification: Uncertain significance for Hypertrophic cardiomyopathy. Last evaluated: 2022-12-18. Review status: criteria provided, single submitter. Criteria: Invitae Variant Classification Sherloc (09022015). Collection method: clinical testing. Allele origin: germline.
Comment: This sequence change falls in intron 37 of the MYOM1 gene. It does not directly change the encoded amino acid sequence of the MYOM1 protein. This variant is not present in population databases (gnomAD no frequency). This variant has not been reported in the literature in individuals affected with MYOM1-related conditions. Algorithms developed to predict the effect of sequence changes on RNA splicing suggest that this variant may disrupt the consensus splice site. In summary, the available evidence is currently insufficient to determine the role of this variant in disease. Therefore, it has been classified as a Variant of Uncertain Significance.

NM_003803.4(MYOM1):c.4765-13A>G

Gene: MYOM1 (myomesin 1; minus strand). Cytogenetic location: 18p11.31.
Variant type: single nucleotide variant.
Coding change: c.4765-13A>G on transcript NM_003803.4 (MANE Select); 13 bases into the intron before coding-DNA position 4765, A replaced by G.
Molecular consequence: intron variant.
Genome position (GRCh38, 1-based): chr18:3,067,568, T>C on the plus strand (A>G on the coding strand, the complement: MYOM1 is on the minus strand). VCF-style: chr18-3067568-T-C. GRCh37 (hg19) VCF-style: chr18-3067566-T-C.
Other names: c.4477-13A>G (NM_019856.2).
Identifiers: ClinVar variation 2071820 (VCV002071820.4), dbSNP rs1266534462, ClinGen allele CA778322436.